The following is an entry in ClinVar:

NM_002860.4(ALDH18A1):c.1923+68_1923+80del

Gene: ALDH18A1 (aldehyde dehydrogenase 18 family member A1; minus strand). Cytogenetic location: 10q24.1.
Variant type: Deletion.
Coding change: c.1923+68_1923+80del on transcript NM_002860.4 (MANE Select); bases 68 to 80 of the intron after coding-DNA position 1923, 13 bases deleted (GCCATACCATATA).
Molecular consequence: intron variant.
Genome position (GRCh38, 1-based): chr10:95,613,662-95,613,674, TATATGGTATGGC deleted on the plus strand (GCCATACCATATA on the coding strand, the reverse complement: ALDH18A1 is on the minus strand); deleting any 13 consecutive bases within chr10:95,613,662-95,613,675 gives the same sequence; the c. name uses the placement nearest the transcript's 3' end. VCF-style (leftmost placement, unchanged base first): chr10-95613661-TTATATGGTATGGC-T. GRCh37 (hg19) VCF-style: chr10-97373418-TTATATGGTATGGC-T.
Other names: c.1287+68_1287+80del (NM_001323419.2); c.1590+68_1590+80del (NM_001323412.2, NM_001323416.2); c.1818+68_1818+80del (NM_001323417.2); c.1917+68_1917+80del (NM_001017423.2, NM_001323415.2); c.1584+68_1584+80del (NM_001323418.2); c.1923+68_1923+80del (NM_001323413.2, NM_001323414.2).
Identifiers: ClinVar variation 678712 (VCV000678712.1), dbSNP rs139383145, ClinGen allele CA211788694.
Genomic context (GRCh38, chr10:95,613,661, plus strand): 5'-TTACTTAGCATGGAACTTTGTACACAGAAGATATTAAAAAATATTGTTTCTTAAACTGCC[TTATATGGTATGGC>T]TGTGCCTGGTCTAATTCCACAGGCTTCTAAGACAGGAAGTAATGTACTAGTCCTATGGAA-3'

ClinVar aggregate classification (germline): Benign (1 of 4 stars; one submission).

Submission:

GeneDx
Classification: Benign. Last evaluated: 2018-06-19. Review status: criteria provided, single submitter. Criteria: GeneDx Variant Classification (06012015). Collection method: clinical testing. Allele origin: germline. Affected: yes.
Comment: This variant is considered likely benign or benign based on one or more of the following criteria: it is a conservative change, it occurs at a poorly conserved position in the protein, it is predicted to be benign by multiple in silico algorithms, and/or has population frequency not consistent with disease.